The following is an entry in ClinVar:

ClinVar aggregate classification (germline): Pathogenic. Review status: reviewed by expert panel (3 of 4 stars). 6 submissions from 6 submitters: Pathogenic (1). 5 of the submissions do not count toward it. Last evaluated 2017-12-15.

Conditions:
Hereditary breast ovarian cancer syndrome. Also called: Hereditary breast and ovarian cancer syndrome (HBOC); Breast and ovarian cancer; Hereditary breast and ovarian cancer syndrome; Hereditary breast and ovarian cancer; BRCA1- and BRCA2-Associated Hereditary Breast and Ovarian Cancer; Hereditary breast and/or ovarian cancer syndrome. Identifiers: Orphanet 145, MedGen C0677776, MeSH D061325, MONDO:0003582. Disease mechanism: loss of function.
Hereditary cancer-predisposing syndrome. Also called: Hereditary Cancer Syndrome; Neoplastic Syndromes, Hereditary; Hereditary neoplastic syndrome; Tumor predisposition. Identifiers: Orphanet 140162, MedGen C0027672, MeSH D009386, MONDO:0015356.
Breast-ovarian cancer, familial, susceptibility to, 1 (BROVCA1). Also called: BRCA1 Hereditary Breast and Ovarian Cancer; OVARIAN CANCER, SUSCEPTIBILITY TO. Identifiers: Orphanet 145, MedGen C2676676, MONDO:0011450, OMIM 604370. Disease mechanism: loss of function.

Submissions (6):

Evidence-based Network for the Interpretation of Germline Mutant Alleles (ENIGMA)
Classification: Pathogenic for Breast-ovarian cancer, familial, susceptibility to, 1. Last evaluated: 2017-12-15. Review status: reviewed by expert panel. Criteria: ENIGMA BRCA1/2 Classification Criteria (2017-06-29). Collection method: curation. Allele origin: germline. Study: ENIGMA.
Comment: Variant allele predicted to encode a truncated non-functional protein.

Ambry Genetics
Classification: Pathogenic for Hereditary cancer-predisposing syndrome. Last evaluated: 2024-05-31. Review status: criteria provided, single submitter. Criteria: Ambry Variant Classification Scheme 2023. Collection method: clinical testing. Allele origin: germline. Not counted in ClinVar's aggregate classification.
Comment: The p.K135* pathogenic mutation (also known as c.403A>T), located in coding exon 5 of the BRCA1 gene, results from an A to T substitution at nucleotide position 403. This changes the amino acid from a lysine to a stop codon within coding exon 5. This variant is considered to be rare based on population cohorts in the Genome Aggregation Database (gnomAD). This alteration is expected to result in loss of function by premature protein truncation or nonsense-mediated mRNA decay. As such, this alteration is interpreted as a disease-causing mutation.

Labcorp Genetics (formerly Invitae), Labcorp
Classification: Pathogenic for Hereditary breast ovarian cancer syndrome. Last evaluated: 2023-11-08. Review status: criteria provided, single submitter. Criteria: Invitae Variant Classification Sherloc (09022015). Collection method: clinical testing. Allele origin: germline. Not counted in ClinVar's aggregate classification.
Comment: This sequence change creates a premature translational stop signal (p.Lys135*) in the BRCA1 gene. It is expected to result in an absent or disrupted protein product. Loss-of-function variants in BRCA1 are known to be pathogenic (PMID: 20104584). This variant is not present in population databases (gnomAD no frequency). This variant has not been reported in the literature in individuals affected with BRCA1-related conditions. ClinVar contains an entry for this variant (Variation ID: 252876). For these reasons, this variant has been classified as Pathogenic.

Baylor Genetics
Classification: Likely pathogenic for Breast-ovarian cancer, familial, susceptibility to, 1. Last evaluated: 2023-04-26. Review status: criteria provided, single submitter. Criteria: ACMG Guidelines, 2015. Collection method: clinical testing. Allele origin: unknown. Not counted in ClinVar's aggregate classification.

Research Molecular Genetics Laboratory, Women's College Hospital, University of Toronto
Classification: Pathogenic for Hereditary breast ovarian cancer syndrome. Last evaluated: 2014-01-31. Review status: no assertion criteria provided. Collection method: research. Allele origin: germline. Affected: yes. Study: The Canadian Open Genetics Repository (COGR). Not counted in ClinVar's aggregate classification.

Sharing Clinical Reports Project (SCRP)
Classification: Pathogenic for Breast-ovarian cancer, familial 1. Last evaluated: 2010-05-10. Review status: no assertion criteria provided. Collection method: clinical testing. Allele origin: germline. Not counted in ClinVar's aggregate classification.

Literature cited by the submitters: PubMed 20104584 (cited by Labcorp Genetics (formerly Invitae), Labcorp).

NM_007294.4(BRCA1):c.403A>T (p.Lys135Ter)

Gene: BRCA1 (BRCA1 DNA repair associated; minus strand). Cytogenetic location: 17q21.31.
Variant type: single nucleotide variant.
Coding change: c.403A>T on transcript NM_007294.4 (MANE Select); coding-DNA position 403, A replaced by T.
Protein change: p.Lys135Ter; replaces lysine 135 with a stop codon.
Molecular consequence: nonsense. On other transcripts: non-coding transcript variant (1).
Genome position (GRCh38, 1-based): chr17:43,104,160, T>A on the plus strand (A>T on the coding strand, the complement: BRCA1 is on the minus strand). VCF-style: chr17-43104160-T-A. GRCh37 (hg19) VCF-style: chr17-41256177-T-A.
Other names: 522A>T; c.193A>T, p.Lys65Ter (NM_001407571.1, NM_001407853.1, NM_001407879.1 and 58 more transcripts); c.403A>T, p.Lys135Ter (NM_001407581.1, NM_001407582.1, NM_001407583.1 and 165 more transcripts); c.394A>T, p.Lys132Ter (NM_001407646.1, NM_001407647.1, NM_001408408.1); c.325A>T, p.Lys109Ter (NM_001407653.1, NM_001407654.1, NM_001407655.1 and 21 more transcripts); c.262A>T, p.Lys88Ter (NM_001407692.1, NM_001407694.1, NM_001407695.1 and 99 more transcripts); c.22A>T, p.Lys8Ter (NM_001407959.1, NM_001407960.1, NM_001407962.1 and 4 more transcripts); c.271A>T, p.Lys91Ter (NM_001408451.1); short protein forms K135X, K88*, K65*, K109*, K8*, K132*, K91*.
Identifiers: ClinVar variation 252876 (VCV000252876.8), dbSNP rs879255485, ClinGen allele CA10586106.